The following is an entry in ClinVar:

NM_001258392.3(CLPB):c.971T>A (p.Ile324Asn)

Gene: CLPB (ClpB family mitochondrial disaggregase; minus strand). Cytogenetic location: 11q13.4.
Variant type: single nucleotide variant.
Coding change: c.971T>A on transcript NM_001258392.3 (MANE Select); coding-DNA position 971, T replaced by A.
Protein change: p.Ile324Asn; replaces isoleucine 324 with asparagine.
Molecular consequence: missense variant.
Genome position (GRCh38, 1-based): chr11:72,317,123, A>T on the plus strand (T>A on the coding strand, the complement: CLPB is on the minus strand). VCF-style: chr11-72317123-A-T. GRCh37 (hg19) VCF-style: chr11-72028167-A-T.
Other names: c.884T>A, p.Ile295Asn (NM_001258393.3); c.926T>A, p.Ile309Asn (NM_001258394.3); c.1061T>A, p.Ile354Asn (NM_030813.6); short protein forms I324N, I354N, I295N, I309N.
Identifiers: ClinVar variation 1717951 (VCV001717951.6), dbSNP rs2539393355, ClinGen allele CA381738100.

ClinVar aggregate classification (germline): Uncertain significance (1 of 4 stars; one submission).

Conditions:
3-methylglutaconic aciduria, type VIIB (MGCA7B). Also called: 3-methylglutaconic aciduria with cataracts, neurologic involvement and neutropenia; CLPB Deficiency; 3-methylglutaconic aciduria, type VII, with cataracts, neurologic involvement and neutropenia. Identifiers: Orphanet 445038, MedGen C5676893, MONDO:0014561, OMIM 616271.

Submission:

Labcorp Genetics (formerly Invitae), Labcorp
Classification: Uncertain significance for 3-methylglutaconic aciduria, type VIIB. Last evaluated: 2022-08-24. Review status: criteria provided, single submitter. Criteria: Invitae Variant Classification Sherloc (09022015). Collection method: clinical testing. Allele origin: germline.
Comment: This sequence change replaces isoleucine, which is neutral and non-polar, with asparagine, which is neutral and polar, at codon 354 of the CLPB protein (p.Ile354Asn). This variant is not present in population databases (gnomAD no frequency). This variant has not been reported in the literature in individuals affected with CLPB-related conditions. Algorithms developed to predict the effect of missense changes on protein structure and function are either unavailable or do not agree on the potential impact of this missense change (SIFT: "Deleterious"; PolyPhen-2: "Probably Damaging"; Align-GVGD: "Class C0"). In summary, the available evidence is currently insufficient to determine the role of this variant in disease. Therefore, it has been classified as a Variant of Uncertain Significance.